The following is an entry in ClinVar:

ClinVar aggregate classification (germline): Uncertain significance (1 of 4 stars; one submission).

Conditions:
Brugada syndrome 8 (BRGDA8). Identifiers: Orphanet 130, MedGen C2751083, MONDO:0013148, OMIM 613123.

Allele frequency attached by ClinVar (database versions not stated): TOPMed below 0.00001; ExAC 0.00001; gnomAD 0.00001; gnomAD exomes 0.00001.
gnomAD v4.1: 8 of 1,604,128 alleles (0.0005%); highest among the groups gnomAD compares: Non-Finnish European, 0.00068%; no homozygotes.

Submission:

Labcorp Genetics (formerly Invitae), Labcorp
Classification: Uncertain significance for Brugada syndrome 8. Last evaluated: 2023-12-03. Review status: criteria provided, single submitter. Criteria: Invitae Variant Classification Sherloc (09022015). Collection method: clinical testing. Allele origin: germline.
Comment: This sequence change replaces glutamine, which is neutral and polar, with histidine, which is basic and polar, at codon 737 of the HCN4 protein (p.Gln737His). This variant is present in population databases (rs755502946, gnomAD 0.002%). This missense change has been observed in individual(s) with epilepsy (PMID: 30986657). Advanced modeling of protein sequence and biophysical properties (such as structural, functional, and spatial information, amino acid conservation, physicochemical variation, residue mobility, and thermodynamic stability) performed at Invitae indicates that this missense variant is not expected to disrupt HCN4 protein function with a negative predictive value of 80%. In summary, the available evidence is currently insufficient to determine the role of this variant in disease. Therefore, it has been classified as a Variant of Uncertain Significance.

Literature cited by the submitters: PubMed 30986657.

NM_005477.3(HCN4):c.2211G>T (p.Gln737His)

Gene: HCN4 (hyperpolarization activated cyclic nucleotide gated potassium channel 4; minus strand). Cytogenetic location: 15q24.1.
Variant type: single nucleotide variant.
Coding change: c.2211G>T on transcript NM_005477.3 (MANE Select); coding-DNA position 2211, G replaced by T.
Protein change: p.Gln737His; replaces glutamine 737 with histidine.
Molecular consequence: missense variant.
Genome position (GRCh38, 1-based): chr15:73,323,882, C>A on the plus strand (G>T on the coding strand, the complement: HCN4 is on the minus strand). VCF-style: chr15-73323882-C-A. GRCh37 (hg19) VCF-style: chr15-73616223-C-A.
Other names: short protein forms Q737H.
Identifiers: ClinVar variation 2888875 (VCV002888875.1), dbSNP rs755502946, ClinGen allele CA7649075.